The following is an entry in ClinVar:

NM_001204.7(BMPR2):c.837G>C (p.Met279Ile)

Gene: BMPR2 (bone morphogenetic protein receptor type 2; plus strand). Cytogenetic location: 2q33.2.
Variant type: single nucleotide variant.
Coding change: c.837G>C on transcript NM_001204.7 (MANE Select); coding-DNA position 837, G replaced by C.
Protein change: p.Met279Ile; replaces methionine 279 with isoleucine.
Molecular consequence: missense variant.
Genome position (GRCh38, 1-based): chr2:202,519,037, G>C. VCF-style: chr2-202519037-G-C. GRCh37 (hg19) VCF-style: chr2-203383760-G-C.
Other names: short protein forms M279I.
Identifiers: ClinVar variation 3992126 (VCV003992126.1).
Genomic context (GRCh38, chr2:202,519,037, plus strand): 5'-CTTTATAGTTGGAGATGAGAGAGTCACTGCAGATGGACGCATGGAATATTTGCTTGTGAT[G>C]GAGTACTATCCCAATGTAAGTTCTTCATAGAAAATAAACTGAGGCCAGGTGTGGTGGCTT-3'
Protein context (NP_001195.2, residues 269-289): ADGRMEYLLV[Met279Ile]EYYPNGSLCK

ClinVar aggregate classification (germline): Uncertain significance (1 of 4 stars; one submission).

Conditions:
Inborn genetic diseases. Identifiers: MedGen C0950123, MeSH D030342.

Submission:

Ambry Genetics
Classification: Uncertain significance for Inborn genetic diseases. Last evaluated: 2025-04-19. Review status: criteria provided, single submitter. Criteria: Ambry Variant Classification Scheme 2023. Collection method: clinical testing. Allele origin: germline.
Comment: The p.M279I variant (also known as c.837G>C), located in coding exon 6 of the BMPR2 gene, results from a G to C substitution at nucleotide position 837. The methionine at codon 279 is replaced by isoleucine, an amino acid with highly similar properties. This amino acid position is conserved. In addition, this alteration is predicted to be deleterious by in silico analysis. Based on the available evidence, the clinical significance of this variant remains unclear.